The following is an entry in ClinVar:

ClinVar aggregate classification (germline): Uncertain significance. Review status: criteria provided, multiple submitters, no conflicts (2 of 4 stars). 2 submissions from 2 submitters: Uncertain significance (2). Last evaluated 2025-05-05.

Conditions:
Inborn genetic diseases. Identifiers: MedGen C0950123, MeSH D030342.
MEGF8-related Carpenter syndrome. Also called: Carpenter syndrome 2. Identifiers: Orphanet 65759, MedGen C3554247, MONDO:0013998, OMIM 614976.

Submissions (2):

Labcorp Genetics (formerly Invitae), Labcorp
Classification: Uncertain significance for MEGF8-related Carpenter syndrome. Last evaluated: 2025-05-05. Review status: criteria provided, single submitter. Criteria: Invitae Variant Classification Sherloc (09022015). Collection method: clinical testing. Allele origin: germline.
Comment: This sequence change replaces alanine, which is neutral and non-polar, with glycine, which is neutral and non-polar, at codon 2282 of the MEGF8 protein (p.Ala2282Gly). This variant is not present in population databases (gnomAD no frequency). This variant has not been reported in the literature in individuals affected with MEGF8-related conditions. ClinVar contains an entry for this variant (Variation ID: 2165302). An algorithm developed to predict the effect of missense changes on protein structure and function (PolyPhen-2) suggests that this variant is likely to be disruptive. In summary, the available evidence is currently insufficient to determine the role of this variant in disease. Therefore, it has been classified as a Variant of Uncertain Significance.

Ambry Genetics
Classification: Uncertain significance for Inborn genetic diseases. Last evaluated: 2024-06-28. Review status: criteria provided, single submitter. Criteria: Ambry Variant Classification Scheme 2023. Collection method: clinical testing. Allele origin: germline.

NM_001271938.2(MEGF8):c.7046C>G (p.Ala2349Gly)

Gene: MEGF8 (multiple EGF like domains 8; plus strand). Cytogenetic location: 19q13.2.
Variant type: single nucleotide variant.
Coding change: c.7046C>G on transcript NM_001271938.2 (MANE Select); coding-DNA position 7046, C replaced by G.
Protein change: p.Ala2349Gly; replaces alanine 2349 with glycine.
Molecular consequence: missense variant.
Genome position (GRCh38, 1-based): chr19:42,370,741, C>G. VCF-style: chr19-42370741-C-G. GRCh37 (hg19) VCF-style: chr19-42874893-C-G.
Other names: c.6845C>G (NM_001410.2); c.6845C>G, p.Ala2282Gly (NM_001410.3); short protein forms A2282G, A2349G.
Identifiers: ClinVar variation 2165302 (VCV002165302.5), dbSNP rs747807960, ClinGen allele CA9476041.